The following is an entry in ClinVar:

ClinVar aggregate classification (germline): Uncertain significance (1 of 4 stars; one submission).

Conditions:
Joubert syndrome. Also called: Familial aplasia of the vermis; CEREBELLOPARENCHYMAL DISORDER IV; JOUBERT-BOLTSHAUSER SYNDROME. Identifiers: Orphanet 475, MedGen C5979921, MONDO:0018772.
Meckel-Gruber syndrome. Also called: Dysencephalia splachnocystica; DYSENCEPHALIA SPLANCHNOCYSTICA; GRUBER SYNDROME. Identifiers: Orphanet 564, MedGen C0265215, MONDO:0018921.

Allele frequency attached by ClinVar (database versions not stated): gnomAD exomes below 0.00001.
gnomAD v4.1: 1 of 1,605,700 alleles (0.000062%); highest among the groups gnomAD compares: South Asian, 0.0011%; no homozygotes.

Submission:

Labcorp Genetics (formerly Invitae), Labcorp
Classification: Uncertain significance for Joubert syndrome; Meckel-Gruber syndrome. Last evaluated: 2023-05-15. Review status: criteria provided, single submitter. Criteria: Invitae Variant Classification Sherloc (09022015). Collection method: clinical testing. Allele origin: germline.
Comment: This sequence change affects codon 240 of the TCTN1 mRNA. It is a 'silent' change, meaning that it does not change the encoded amino acid sequence of the TCTN1 protein. This variant is not present in population databases (gnomAD no frequency). This variant has not been reported in the literature in individuals affected with TCTN1-related conditions. ClinVar contains an entry for this variant (Variation ID: 1035527). Algorithms developed to predict the effect of sequence changes on RNA splicing suggest that this variant may create or strengthen a splice site. In summary, the available evidence is currently insufficient to determine the role of this variant in disease. Therefore, it has been classified as a Variant of Uncertain Significance.

NM_001082538.3(TCTN1):c.720G>A (p.Leu240=)

Gene: TCTN1 (tectonic family member 1; plus strand). Cytogenetic location: 12q24.11.
Variant type: single nucleotide variant.
Coding change: c.720G>A on transcript NM_001082538.3 (MANE Select); coding-DNA position 720, G replaced by A.
Protein change: p.Leu240=; no amino-acid change (leucine 240 retained).
Molecular consequence: synonymous variant. On other transcripts: non-coding transcript variant (1), intron variant (1).
Genome position (GRCh38, 1-based): chr12:110,634,677, G>A. VCF-style: chr12-110634677-G-A. GRCh37 (hg19) VCF-style: chr12-111072482-G-A.
Other names: c.720G>A, p.Leu240= (NM_001082537.3, NM_001319680.2); c.552G>A, p.Leu184= (NM_001173975.3); c.540G>A, p.Leu180= (NM_001173976.2); c.186G>A, p.Leu62= (NM_001319681.2); c.780+214G>A (NM_024549.6).
Identifiers: ClinVar variation 1035527 (VCV001035527.7), dbSNP rs2066445334, ClinGen allele CA481747280.